The following is an entry in ClinVar:

ClinVar aggregate classification (germline): Likely benign (1 of 4 stars; one submission).

Conditions:
PTPRQ-related disorder. Also called: PTPRQ-related condition.

Submission:

PreventionGenetics, part of Exact Sciences
Classification: Likely benign for PTPRQ-related condition. Last evaluated: 2025-08-13. Review status: criteria provided, single submitter. Criteria: ACMG Guidelines, 2015. Collection method: clinical testing. Allele origin: germline.
Comment: This variant is classified as likely benign based on ACMG/AMP sequence variant interpretation guidelines (Richards et al. 2015 PMID: 25741868, with internal and published modifications).

NM_001145026.2(PTPRQ):c.5682T>C (p.Thr1894=)

Gene: PTPRQ (protein tyrosine phosphatase receptor type Q; plus strand). Cytogenetic location: 12q21.31.
Variant type: single nucleotide variant.
Coding change: c.5682T>C on transcript NM_001145026.2 (MANE Select); coding-DNA position 5682, T replaced by C.
Protein change: p.Thr1894=; no amino-acid change (threonine 1894 retained).
Molecular consequence: synonymous variant.
Genome position (GRCh38, 1-based): chr12:80,622,130, T>C. VCF-style: chr12-80622130-T-C. GRCh37 (hg19) VCF-style: chr12-81015909-T-C.
Identifiers: ClinVar variation 4997295 (VCV004997295.1).
Genomic context (GRCh38, chr12:80,622,130, plus strand): 5'-TAGAGCTACAAATATTATGGGACAATTTACTGACTCTGATTATTCTGACCCTGTTAAGAC[T>C]TTAGGTAAGACATTTTTGTAATTCATTTATAATCTCAACATATTTATCAAAGTTGGAACA-3'
Protein context (NP_001138498.1, residues 1884-1904): TDSDYSDPVK[Thr1894=]LGEGLSERTV